The following is an entry in ClinVar:

NM_203446.3(SYNJ1):c.3581C>G (p.Ala1194Gly)

Gene: SYNJ1 (synaptojanin 1; minus strand). Cytogenetic location: 21q22.11.
Variant type: single nucleotide variant.
Coding change: c.3581C>G on transcript NM_203446.3 (MANE Select); coding-DNA position 3581, C replaced by G.
Protein change: p.Ala1194Gly; replaces alanine 1194 with glycine.
Molecular consequence: missense variant.
Genome position (GRCh38, 1-based): chr21:32,641,903, G>C on the plus strand (C>G on the coding strand, the complement: SYNJ1 is on the minus strand). VCF-style: chr21-32641903-G-C. GRCh37 (hg19) VCF-style: chr21-34014213-G-C.
Other names: c.3533C>G, p.Ala1178Gly (NM_001160302.2); c.3440C>G, p.Ala1147Gly (NM_001160306.2); c.3698C>G, p.Ala1233Gly (NM_003895.4); short protein forms A1178G, A1233G, A1147G, A1194G.
Identifiers: ClinVar variation 642561 (VCV000642561.9), dbSNP rs779766895, ClinGen allele CA10003339.

ClinVar aggregate classification (germline): Uncertain significance (1 of 4 stars; one submission).

Conditions:
Developmental and epileptic encephalopathy, 53. Also called: Epileptic encephalopathy, early infantile, 53. Identifiers: MedGen C4479313, MONDO:0033362, OMIM 617389.
Early-onset Parkinson disease 20. Also called: PARKINSON DISEASE 20, AUTOSOMAL RECESSIVE EARLY-ONSET. Identifiers: Orphanet 391411, MedGen C3809824, MONDO:0014233, OMIM 615530.

Allele frequency attached by ClinVar (database versions not stated): gnomAD exomes below 0.00001 and 0.00001; gnomAD 0.00001 and 0.00002; ExAC 0.00002; TOPMed 0.00005.
gnomAD v4.1: 7 of 1,611,574 alleles (0.00043%); highest among the groups gnomAD compares: African/African-American, 0.0094%; no homozygotes.

Submission:

Labcorp Genetics (formerly Invitae), Labcorp
Classification: Uncertain significance for Developmental and epileptic encephalopathy, 53; Early-onset Parkinson disease 20. Last evaluated: 2024-12-02. Review status: criteria provided, single submitter. Criteria: Invitae Variant Classification Sherloc (09022015). Collection method: clinical testing. Allele origin: germline.
Comment: This sequence change replaces alanine, which is neutral and non-polar, with glycine, which is neutral and non-polar, at codon 1233 of the SYNJ1 protein (p.Ala1233Gly). This variant is present in population databases (rs779766895, gnomAD 0.02%). This variant has not been reported in the literature in individuals affected with SYNJ1-related conditions. ClinVar contains an entry for this variant (Variation ID: 642561). Invitae Evidence Modeling of protein sequence and biophysical properties (such as structural, functional, and spatial information, amino acid conservation, physicochemical variation, residue mobility, and thermodynamic stability) indicates that this missense variant is not expected to disrupt SYNJ1 protein function with a negative predictive value of 80%. In summary, the available evidence is currently insufficient to determine the role of this variant in disease. Therefore, it has been classified as a Variant of Uncertain Significance.